The following is an entry in ClinVar:

ClinVar aggregate classification (germline): Conflicting classifications of pathogenicity. Review status: criteria provided, conflicting classifications (1 of 4 stars). 15 submissions from 10 submitters: Likely pathogenic (1); Uncertain significance (14). Last evaluated 2026-06-02.

Conditions:
Marfan syndrome (MFS). Also called: FBN1-Related Marfan Syndrome; Marfan syndrome type 1; Marfan's syndrome; Marfan syndrome, classic; MARFAN SYNDROME, TYPE I. Identifiers: Orphanet 284963, Orphanet 558, MedGen C0024796, MONDO:0007947, OMIM 154700.
Weill-Marchesani syndrome 2, dominant. Also called: Weill-Marchesani Syndrome, Autosomal Dominant; FBN1-Related Weill-Marchesani Syndrome. Identifiers: Orphanet 2084, MedGen C1869115, MONDO:0012013, OMIM 608328.
Progeroid and marfanoid aspect-lipodystrophy syndrome. Also called: Marfan lipodystrophy syndrome; MARFANOID-PROGEROID SYNDROME; MARFAN-PROGEROID-LIPODYSTROPHY SYNDROME; MARFANOID-PROGEROID-LIPODYSTROPHY SYNDROME. Identifiers: Orphanet 300382, MedGen C4310796, MONDO:0014831, OMIM 616914.
Stiff skin syndrome (SSKS). Identifiers: Orphanet 2833, MedGen C1861456, MONDO:0008492, OMIM 184900.
Acromicric dysplasia (ACMICD). Also called: Acromicric skeletal dysplasia. Identifiers: Orphanet 969, MedGen C0265287, MONDO:0007055, OMIM 102370.
Geleophysic dysplasia 2 (GPHYSD2). Identifiers: Orphanet 2623, MedGen C3280054, MONDO:0013612, OMIM 614185.
Ectopia lentis 1, isolated, autosomal dominant (ECTOL1). Identifiers: Orphanet 1885, MedGen C3541518, MONDO:0007514, OMIM 129600.
MASS syndrome (OCTD). Also called: MASS PHENOTYPE; OVERLAP CONNECTIVE TISSUE DISEASE. Identifiers: MedGen C1858556, MONDO:0011431, OMIM 604308.
Familial thoracic aortic aneurysm and aortic dissection (TAAD). Also called: Thoracic aortic aneurysms and dissections. Identifiers: Orphanet 91387, MedGen C4707243, MONDO:0019625.
Weill-Marchesani syndrome. Also called: WM Syndrome; Mesodermal dysmorphodystrophy congenital. Identifiers: Orphanet 3449, MedGen C0265313, MONDO:0018096.

Allele frequency attached by ClinVar (database versions not stated): ExAC 0.00002; gnomAD 0.00003; TOPMed 0.00003.
gnomAD v4.1: 97 of 1,613,926 alleles (0.006%); highest among the groups gnomAD compares: Non-Finnish European, 0.0073%; no homozygotes.

Submissions (15):

Ambry Genetics
Classification: Uncertain significance for Familial thoracic aortic aneurysm and aortic dissection. Last evaluated: 2026-06-02. Review status: criteria provided, single submitter. Criteria: Ambry Variant Classification Scheme 2023. Collection method: clinical testing. Allele origin: germline.
Comment: The p.T2297M variant (also known as c.6890C>T), located in coding exon 56 of the FBN1 gene, results from a C to T substitution at nucleotide position 6890. The threonine at codon 2297 is replaced by methionine, an amino acid with similar properties. This variant has been reported in an individual in a Marfan syndrome cohort but clinical details were limited (Somers AE et al. Am J Med Genet A, 2016 Jul;170:1786-90). This amino acid position is not well conserved in available vertebrate species. In addition, the in silico prediction for this alteration is inconclusive. Based on the available evidence, the clinical significance of this alteration remains unclear.

GeneDx
Classification: Uncertain significance. Last evaluated: 2025-12-30. Review status: criteria provided, single submitter. Criteria: GeneDx Variant Classification Process June 2021. Collection method: clinical testing. Allele origin: germline.
Comment: Identified in patients with Marfan syndrome and thoracic aortic aneurysm (TAA) in published literature (PMID: 27112580, 28550590); In silico analysis suggests that this missense variant does not alter protein structure/function; This variant is associated with the following publications: (PMID: 28550590, 12938084, 27112580)

Labcorp Genetics (formerly Invitae), Labcorp
Classification: Likely pathogenic for Marfan syndrome; Familial thoracic aortic aneurysm and aortic dissection. Last evaluated: 2025-01-05. Review status: criteria provided, single submitter. Criteria: Invitae Variant Classification Sherloc (09022015). Collection method: clinical testing. Allele origin: germline.
Comment: This sequence change replaces threonine, which is neutral and polar, with methionine, which is neutral and non-polar, at codon 2297 of the FBN1 protein (p.Thr2297Met). This variant is present in population databases (rs773785908, gnomAD 0.006%). This missense change has been observed in individuals with clinical features of Marfan syndrome and/or clinical features of thoracic aortic aneurysm (PMID: 27112580; internal data). ClinVar contains an entry for this variant (Variation ID: 632817). Invitae Evidence Modeling of protein sequence and biophysical properties (such as structural, functional, and spatial information, amino acid conservation, physicochemical variation, residue mobility, and thermodynamic stability) has been performed for this missense variant. However, the output from this modeling did not meet the statistical confidence thresholds required to predict the impact of this variant on FBN1 protein function. This variant disrupts the p.Thr2297 amino acid residue in FBN1. Other variant(s) that disrupt this residue have been observed in individuals with FBN1-related conditions (internal data), which suggests that this may be a clinically significant amino acid residue. In summary, the currently available evidence indicates that the variant is pathogenic, but additional data are needed to prove that conclusively. Therefore, this variant has been classified as Likely Pathogenic.

Women's Health and Genetics/Laboratory Corporation of America, LabCorp
Classification: Uncertain significance. Last evaluated: 2024-02-27. Review status: criteria provided, single submitter. Criteria: LabCorp Variant Classification Summary - May 2015. Collection method: clinical testing. Allele origin: germline.
Comment: Variant summary: FBN1 c.6890C>T (p.Thr2297Met) results in a non-conservative amino acid change located in the EGF-like domain of the encoded protein sequence. Five of five in-silico tools predict a damaging effect of the variant on protein function. The variant allele was found at a frequency of 2.8e-05 in 251282 control chromosomes (gnomAD). The available data on variant occurrences in the general population are insufficient to allow any conclusion about variant significance. c.6890C>T has been reported in the literature in affected individuals undergoing testing for Thoracic Aortic Aneurisms or Marfan Syndrome (example, Landis_2017, Somers_2016). These reports do not provide unequivocal conclusions about association of the variant with Marfan Syndrome. To our knowledge, no experimental evidence demonstrating an impact on protein function has been reported. The following publications have been ascertained in the context of this evaluation (PMID: 27112580, 28550590). ClinVar contains an entry for this variant (Variation ID: 632817). Based on the evidence outlined above, the variant was classified as uncertain significance.

All of Us Research Program, National Institutes of Health
Classification: Uncertain significance for Marfan syndrome. Last evaluated: 2023-12-13. Review status: criteria provided, single submitter. Criteria: ACMG Guidelines, 2015. Collection method: clinical testing. Allele origin: germline. Inheritance: Autosomal dominant inheritance. Observed: 4 variant alleles, 4 heterozygotes.
Comment: This missense variant replaces threonine with methionine at codon 2297 of the FBN1 protein. Computational prediction is inconclusive regarding the impact of this variant on protein structure and function (internally defined REVEL score threshold 0.5 < inconclusive < 0.7, PMID: 27666373). To our knowledge, functional studies have not been reported for this variant. This variant has been reported in an individual affected with Marfan syndrome (PMID: 27112580, 28550590). This variant has been identified in 8/282666 chromosomes in the general population by the Genome Aggregation Database (gnomAD). The available evidence is insufficient to determine the role of this variant in disease conclusively. Therefore, this variant is classified as a Variant of Uncertain Significance.

This study involves interpretation of variants in research participants for the purpose of population health screening. Participant phenotype was not available at the time of variant classification. Additional details can be found in publication PMID: 35346344, PMCID: PMC8962531

Color Diagnostics, LLC DBA Color Health
Classification: Uncertain significance for Familial thoracic aortic aneurysm and aortic dissection. Last evaluated: 2023-08-16. Review status: criteria provided, single submitter. Criteria: ACMG Guidelines, 2015. Collection method: clinical testing. Allele origin: germline.
Comment: This missense variant replaces threonine with methionine at codon 2297 of the FBN1 protein. Computational prediction is inconclusive regarding the impact of this variant on protein structure and function (internally defined REVEL score threshold 0.5 < inconclusive < 0.7, PMID: 27666373). To our knowledge, functional studies have not been reported for this variant. This variant has been reported in an individual affected with Marfan syndrome (PMID: 27112580, 28550590). This variant has been identified in 8/282666 chromosomes in the general population by the Genome Aggregation Database (gnomAD). The available evidence is insufficient to determine the role of this variant in disease conclusively. Therefore, this variant is classified as a Variant of Uncertain Significance.

Fulgent Genetics
Classification: Uncertain significance for Acromicric dysplasia; Ectopia lentis 1, isolated, autosomal dominant; Marfan syndrome; Stiff skin syndrome; MASS syndrome; Weill-Marchesani syndrome 2, dominant; Geleophysic dysplasia 2; Progeroid and marfanoid aspect-lipodystrophy syndrome. Last evaluated: 2022-04-06. Review status: criteria provided, single submitter. Criteria: ACMG Guidelines, 2015. Collection method: clinical testing. Allele origin: unknown.

HudsonAlpha Institute for Biotechnology
Classification: Uncertain significance for Marfan syndrome. Last evaluated: 2018-08-30. Review status: criteria provided, single submitter. Criteria: ACMG Guidelines, 2015. Collection method: research. Allele origin: paternal. Observed: 1 variant allele. Study: HudsonAlpha-AGHI-WGS.

Illumina Laboratory Services, Illumina
Classification: Uncertain significance for Weill-Marchesani syndrome. Last evaluated: 2018-01-15. Review status: criteria provided, single submitter. Criteria: ICSL Variant Classification Criteria 13 December 2019. Collection method: clinical testing. Allele origin: germline.

CHEO Genetics Diagnostic Laboratory, Children's Hospital of Eastern Ontario
Classification: Uncertain significance for Familial thoracic aortic aneurysm and aortic dissection. Last evaluated: 2017-12-01. Review status: criteria provided, single submitter. Criteria: ACMG Guidelines, 2015. Collection method: clinical testing. Allele origin: germline.

Illumina Laboratory Services, Illumina
Classification: Uncertain significance for Marfan syndrome. Last evaluated: 2017-04-27. Review status: criteria provided, single submitter. Criteria: ICSL Variant Classification Criteria 13 December 2019. Collection method: clinical testing. Allele origin: germline.

Illumina Laboratory Services, Illumina
Classification: Uncertain significance for Familial thoracic aortic aneurysm and aortic dissection. Last evaluated: 2017-04-27. Review status: criteria provided, single submitter. Criteria: ICSL Variant Classification Criteria 13 December 2019. Collection method: clinical testing. Allele origin: germline.

Illumina Laboratory Services, Illumina
Classification: Uncertain significance for Acromicric dysplasia. Last evaluated: 2017-04-27. Review status: criteria provided, single submitter. Criteria: ICSL Variant Classification Criteria 13 December 2019. Collection method: clinical testing. Allele origin: germline.

Illumina Laboratory Services, Illumina
Classification: Uncertain significance for Stiff skin syndrome. Last evaluated: 2017-04-27. Review status: criteria provided, single submitter. Criteria: ICSL Variant Classification Criteria 13 December 2019. Collection method: clinical testing. Allele origin: germline.

Illumina Laboratory Services, Illumina
Classification: Uncertain significance for Ectopia lentis 1, isolated, autosomal dominant. Last evaluated: 2017-04-27. Review status: criteria provided, single submitter. Criteria: ICSL Variant Classification Criteria 13 December 2019. Collection method: clinical testing. Allele origin: germline.

Literature cited by the submitters: PubMed 27112580 (cited by 5 submitters); PubMed 28550590 (cited by 3 submitters).

NM_000138.5(FBN1):c.6890C>T (p.Thr2297Met)

Gene: FBN1 (fibrillin 1; minus strand). Cytogenetic location: 15q21.1.
Variant type: single nucleotide variant.
Coding change: c.6890C>T on transcript NM_000138.5 (MANE Select); coding-DNA position 6890, C replaced by T.
Protein change: p.Thr2297Met; replaces threonine 2297 with methionine.
Molecular consequence: missense variant.
Genome position (GRCh38, 1-based): chr15:48,428,453, G>A on the plus strand (C>T on the coding strand, the complement: FBN1 is on the minus strand). VCF-style: chr15-48428453-G-A. GRCh37 (hg19) VCF-style: chr15-48720650-G-A.
Other names: short protein forms T2297M.
Identifiers: ClinVar variation 632817 (VCV000632817.26), dbSNP rs773785908, ClinGen allele CA057576.